The following is an entry in ClinVar:

NM_000124.4(ERCC6):c.1432_1433insTC (p.Lys478fs)

Gene: ERCC6 (ERCC excision repair 6, chromatin remodeling factor; minus strand). Cytogenetic location: 10q11.23.
Variant type: Insertion.
Coding change: c.1432_1433insTC on transcript NM_000124.4 (MANE Select); coding-DNA positions 1432 to 1433, TC inserted.
Protein change: p.Lys478fs; shifts the reading frame from lysine 478.
Molecular consequence: frameshift variant.
Genome position: GRCh38 VCF-style: chr10-49505977-T-TGA. GRCh37 (hg19) VCF-style: chr10-50714023-T-TGA.
Other names: c.1432_1433insTC, p.Lys478fs (NM_001346440.2); short protein forms K478fs.
Identifiers: ClinVar variation 300081 (VCV000300081.14), dbSNP rs886047037, ClinGen allele CA10635875.
Genomic context (GRCh38, chr10:49,505,977, plus strand): 5'-TTAAAACCTTCGTCAAATTCAGCATCACTTTCCTCAGAATCGTCCTCCAGCTTCAGACGT[T>TGA]TCTCTTTGTCCTGCAGTCTCAGTTTATTCCATCTCCTACCATGAAAATAAAAATCACATT-3'

ClinVar aggregate classification (germline): Pathogenic/Likely pathogenic. Review status: criteria provided, multiple submitters, no conflicts (2 of 4 stars). 2 submissions from 2 submitters: Pathogenic (1); Likely pathogenic (1). Last evaluated 2023-06-23.

Allele frequency attached by ClinVar (database versions not stated): gnomAD exomes below 0.00001.

Submissions (2):

Labcorp Genetics (formerly Invitae), Labcorp
Classification: Pathogenic. Last evaluated: 2023-06-23. Review status: criteria provided, single submitter. Criteria: Invitae Variant Classification Sherloc (09022015). Collection method: clinical testing. Allele origin: germline.
Comment: This sequence change creates a premature translational stop signal (p.Lys478Ilefs*4) in the ERCC6 gene. It is expected to result in an absent or disrupted protein product. Loss-of-function variants in ERCC6 are known to be pathogenic (PMID: 18628313, 29572252). This variant is not present in population databases (gnomAD no frequency). This variant has not been reported in the literature in individuals affected with ERCC6-related conditions. ClinVar contains an entry for this variant (Variation ID: 300081). For these reasons, this variant has been classified as Pathogenic.

Revvity Omics, Revvity
Classification: Likely pathogenic. Last evaluated: 2022-01-13. Review status: criteria provided, single submitter. Criteria: ACMG Guidelines, 2015. Collection method: clinical testing. Allele origin: germline.

Literature cited by the submitters: PubMed 18628313 (cited by Labcorp Genetics (formerly Invitae), Labcorp); PubMed 29572252 (cited by Labcorp Genetics (formerly Invitae), Labcorp).